The following is an entry in ClinVar:

ClinVar aggregate classification (germline): Likely pathogenic (1 of 4 stars; one submission).

Conditions:
Marfan syndrome (MFS). Also called: MARFAN SYNDROME, TYPE I; Marfan syndrome type 1; Marfan's syndrome; Marfan syndrome, classic; FBN1-Related Marfan Syndrome. Identifiers: Orphanet 284963, Orphanet 558, MedGen C0024796, MONDO:0007947, OMIM 154700.

Submission:

MVZ Medizinische Genetik Mainz
Classification: Likely pathogenic for Marfan syndrome. Last evaluated: 2023-01-13. Review status: criteria provided, single submitter. Criteria: UK Practice Guidelines For Variant Classification V4 01 2020. Collection method: clinical testing. Allele origin: germline. Inheritance: Autosomal dominant inheritance. Observed: 1 variant allele.
Comment: ACMG Criteria: PVS1_STR, PM2_MOD

NM_000138.5(FBN1):c.347-1G>C

Gene: FBN1 (fibrillin 1; minus strand). Cytogenetic location: 15q21.1.
Variant type: single nucleotide variant.
Coding change: c.347-1G>C on transcript NM_000138.5 (MANE Select); the canonical splice acceptor site of the intron before coding-DNA position 347, G replaced by C.
Molecular consequence: splice acceptor variant.
Genome position (GRCh38, 1-based): chr15:48,600,235, C>G on the plus strand (G>C on the coding strand, the complement: FBN1 is on the minus strand). VCF-style: chr15-48600235-C-G. GRCh37 (hg19) VCF-style: chr15-48892432-C-G.
Other names: c.347-1G>C (NM_001406716.1, NM_001406717.1).
Identifiers: ClinVar variation 3235976 (VCV003235976.1), dbSNP rs2505761195, ClinGen allele CA392446644.